The following is an entry in ClinVar:

NM_015570.4(AUTS2):c.1903-1G>A

Gene: AUTS2 (activator of transcription and developmental regulator AUTS2; plus strand). Cytogenetic location: 7q11.22.
Variant type: single nucleotide variant.
Coding change: c.1903-1G>A on transcript NM_015570.4 (MANE Select); the canonical splice acceptor site of the intron before coding-DNA position 1903, G replaced by A.
Molecular consequence: splice acceptor variant.
Genome position (GRCh38, 1-based): chr7:70,775,356, G>A. VCF-style: chr7-70775356-G-A. GRCh37 (hg19) VCF-style: chr7-70240342-G-A.
Other names: c.1831-1G>A (NM_001127231.3).
Identifiers: ClinVar variation 4185905 (VCV004185905.2).

ClinVar aggregate classification (germline): Uncertain significance (1 of 4 stars; one submission).

Conditions:
Inborn genetic diseases. Identifiers: MedGen C0950123, MeSH D030342.

Submission:

Ambry Genetics
Classification: Uncertain significance for Inborn genetic diseases. Last evaluated: 2026-01-14. Review status: criteria provided, single submitter. Criteria: Ambry Variant Classification Scheme 2023. Collection method: clinical testing. Allele origin: germline.
Comment: The c.1903-1G>A intronic alteration consists of a G to A substitution one nucleotide before Intron 12 of the AUTS2 gene. Alterations that disrupt the canonical splice acceptor site are typically deleterious in nature (Richards, 2015). This variant was not reported in population-based cohorts in the Genome Aggregation Database (gnomAD). RNA studies have demonstrated that this alteration results in a transcript predicted to lead to a protein with an in-frame deletion of at least 11 and up to 34 amino acid(s); however, the exact functional impact of the deleted amino acid(s) is unknown at this time (Ambry internal data). Based on insufficient or conflicting evidence, the clinical significance of this alteration remains unclear.